The following is an entry in ClinVar:

NM_014141.6(CNTNAP2):c.782G>T (p.Gly261Val)

Gene: CNTNAP2 (contactin associated protein 2; plus strand). Cytogenetic location: 7q35.
Variant type: single nucleotide variant.
Coding change: c.782G>T on transcript NM_014141.6 (MANE Select); coding-DNA position 782, G replaced by T.
Protein change: p.Gly261Val; replaces glycine 261 with valine.
Molecular consequence: missense variant.
Genome position (GRCh38, 1-based): chr7:147,121,006, G>T. VCF-style: chr7-147121006-G-T. GRCh37 (hg19) VCF-style: chr7-146818098-G-T.
Other names: short protein forms G261V.
Identifiers: ClinVar variation 1518172 (VCV001518172.6), dbSNP rs1801100045, ClinGen allele CA369923769.

ClinVar aggregate classification (germline): Uncertain significance (1 of 4 stars; one submission).

Conditions:
Cortical dysplasia-focal epilepsy syndrome (PTHSL1). Also called: Pitt-Hopkins-like syndrome 1. Identifiers: Orphanet 163681, Orphanet 221150, MedGen C2750246, MONDO:0012400, OMIM 610042.

Allele frequency attached by ClinVar (database versions not stated): gnomAD exomes below 0.00001.
gnomAD v4.1: 1 of 1,613,778 alleles (0.000062%); highest among the groups gnomAD compares: Non-Finnish European, 0.000085%; no homozygotes.

Submission:

Labcorp Genetics (formerly Invitae), Labcorp
Classification: Uncertain significance for Cortical dysplasia-focal epilepsy syndrome. Last evaluated: 2022-02-09. Review status: criteria provided, single submitter. Criteria: Invitae Variant Classification Sherloc (09022015). Collection method: clinical testing. Allele origin: germline.
Comment: This sequence change replaces glycine, which is neutral and non-polar, with valine, which is neutral and non-polar, at codon 261 of the CNTNAP2 protein (p.Gly261Val). In summary, the available evidence is currently insufficient to determine the role of this variant in disease. Therefore, it has been classified as a Variant of Uncertain Significance. Algorithms developed to predict the effect of missense changes on protein structure and function are either unavailable or do not agree on the potential impact of this missense change (SIFT: "Deleterious"; PolyPhen-2: "Possibly Damaging"; Align-GVGD: "Class C0"). This variant has not been reported in the literature in individuals affected with CNTNAP2-related conditions. This variant is not present in population databases (gnomAD no frequency).